The following is an entry in ClinVar:

NM_177438.3(DICER1):c.3920G>A (p.Ser1307Asn)

Gene: DICER1 (dicer 1, ribonuclease III; minus strand). Cytogenetic location: 14q32.13.
Variant type: single nucleotide variant.
Coding change: c.3920G>A on transcript NM_177438.3 (MANE Select); coding-DNA position 3920, G replaced by A.
Protein change: p.Ser1307Asn; replaces serine 1307 with asparagine.
Molecular consequence: missense variant. On other transcripts: non-coding transcript variant (6).
Genome position (GRCh38, 1-based): chr14:95,103,476, C>T on the plus strand (G>A on the coding strand, the complement: DICER1 is on the minus strand). VCF-style: chr14-95103476-C-T. GRCh37 (hg19) VCF-style: chr14-95569813-C-T.
Other names: c.3920G>A, p.Ser1307Asn (NM_001395683.1, NM_001395684.1, NM_001395692.1 and 13 more transcripts); c.3638G>A, p.Ser1213Asn (NM_001395686.1); c.3515G>A, p.Ser1172Asn (NM_001395687.1, NM_001395688.1, NM_001395689.1 and 2 more transcripts); c.3353G>A, p.Ser1118Asn (NM_001395691.1); c.2237G>A, p.Ser746Asn (NM_001395697.1); short protein forms S1118N, S746N, S1213N, S1307N, S1172N.
Identifiers: ClinVar variation 1736199 (VCV001736199.2), dbSNP rs2542689020, ClinGen allele CA390873170.

ClinVar aggregate classification (germline): Uncertain significance (1 of 4 stars; one submission).

Conditions:
Hereditary cancer-predisposing syndrome. Also called: Neoplastic Syndromes, Hereditary; Tumor predisposition; Hereditary Cancer Syndrome; Hereditary neoplastic syndrome. Identifiers: Orphanet 140162, MedGen C0027672, MeSH D009386, MONDO:0015356.

Submission:

Ambry Genetics
Classification: Uncertain significance for Hereditary cancer-predisposing syndrome. Last evaluated: 2021-02-23. Review status: criteria provided, single submitter. Criteria: Ambry Variant Classification Scheme 2023. Collection method: clinical testing. Allele origin: germline.
Comment: The p.S1307N variant (also known as c.3920G>A), located in coding exon 20 of the DICER1 gene, results from a G to A substitution at nucleotide position 3920. The serine at codon 1307 is replaced by asparagine, an amino acid with highly similar properties. This amino acid position is highly conserved in available vertebrate species. In addition, this alteration is predicted to be tolerated by in silico analysis. Since supporting evidence is limited at this time, the clinical significance of this alteration remains unclear. Since supporting evidence is limited at this time, the clinical significance of this alteration remains unclear.